The following is an entry in ClinVar:

ClinVar aggregate classification (germline): Likely benign. Review status: reviewed by expert panel (3 of 4 stars). 8 submissions from 8 submitters: Likely benign (1). 7 of the submissions do not count toward it. Last evaluated 2017-06-29.

Conditions:
BRCA2-related disorder. Also called: BRCA2-related condition; BRCA2-related disorders. Identifiers: MedGen CN239275.
Hereditary cancer-predisposing syndrome. Also called: Neoplastic Syndromes, Hereditary; Hereditary neoplastic syndrome; Hereditary Cancer Syndrome; Tumor predisposition. Identifiers: Orphanet 140162, MedGen C0027672, MeSH D009386, MONDO:0015356.
Familial cancer of breast. Also called: hereditary breast carcinoma; BREAST CANCER, FAMILIAL; Hereditary breast cancer. Identifiers: Orphanet 227535, MedGen C0346153, MONDO:0016419, OMIM 114480. Disease mechanism: loss of function.
Breast-ovarian cancer, familial, susceptibility to, 2 (BROVCA2). Also called: BRCA2 Hereditary Breast and Ovarian Cancer. Identifiers: Orphanet 145, MedGen C2675520, MONDO:0012933, OMIM 612555. Disease mechanism: loss of function.
Fanconi anemia complementation group D1. Also called: BRCA2-Related Fanconi Anemia. Identifiers: Orphanet 319462, MedGen C1838457, MONDO:0011584, OMIM 605724.
Medulloblastoma (MDB). Also called: Medulloblastoma, somatic; MEDULLOBLASTOMA PREDISPOSITION SYNDROME. Identifiers: Orphanet 616, MedGen C0025149, MeSH D008527, MONDO:0007959, OMIM 155255, HP:0002885.
Prostate cancer. Also called: Malignant tumor of prostate. Identifiers: Orphanet 1331, MedGen C0376358, MONDO:0008315, HP:0012125.
Wilms tumor 1 (WT1). Also called: Wilms tumor, somatic. Identifiers: Orphanet 654, MedGen CN033288, MONDO:0008679, OMIM 194070.
Pancreatic cancer, susceptibility to, 2. Identifiers: Orphanet 1333, MedGen C3150546, MONDO:0013235, OMIM 613347.
Glioma susceptibility 3 (GLM3). Also called: Glioblastoma 3. Identifiers: Orphanet 182067, Orphanet 360, MedGen C2751641, MONDO:0013093, OMIM 613029.
Hereditary breast ovarian cancer syndrome. Also called: BRCA1- and BRCA2-Associated Hereditary Breast and Ovarian Cancer; Hereditary breast and ovarian cancer syndrome; Hereditary breast and ovarian cancer syndrome (HBOC); Hereditary breast and ovarian cancer; Breast and ovarian cancer; Hereditary breast and/or ovarian cancer syndrome. Identifiers: Orphanet 145, MedGen C0677776, MeSH D061325, MONDO:0003582. Disease mechanism: loss of function.

Allele frequency attached by ClinVar (database versions not stated): ExAC 0.00001; gnomAD exomes below 0.00001 and 0.00001; ESP Exome Variant Server 0.00008.
gnomAD v4.1: 14 of 1,595,426 alleles (0.00088%); highest among the groups gnomAD compares: Non-Finnish European, 0.0012%; no homozygotes.

Submissions (8):

Evidence-based Network for the Interpretation of Germline Mutant Alleles (ENIGMA)
Classification: Likely benign for Breast-ovarian cancer, familial, susceptibility to, 2. Last evaluated: 2017-06-29. Review status: reviewed by expert panel. Criteria: ENIGMA BRCA1/2 Classification Criteria (2017-06-29). Collection method: curation. Allele origin: germline.
Comment: Synonymous substitution variant, with low bioinformatic likelihood to result in a splicing aberration (Splicing prior probability 0.02).

PreventionGenetics, part of Exact Sciences
Classification: Likely benign for BRCA2-related condition. Last evaluated: 2026-01-08. Review status: criteria provided, single submitter. Criteria: ACMG Guidelines, 2015. Collection method: clinical testing. Allele origin: germline. Not counted in ClinVar's aggregate classification.
Comment: This variant is classified as likely benign based on ACMG/AMP sequence variant interpretation guidelines (Richards et al. 2015 PMID: 25741868, with internal and published modifications).

Labcorp Genetics (formerly Invitae), Labcorp
Classification: Likely benign for Hereditary breast ovarian cancer syndrome. Last evaluated: 2025-12-08. Review status: criteria provided, single submitter. Criteria: Invitae Variant Classification Sherloc (09022015). Collection method: clinical testing. Allele origin: germline. Not counted in ClinVar's aggregate classification.

Fulgent Genetics
Classification: Likely benign for Familial cancer of breast; Medulloblastoma; Familial prostate cancer; Wilms tumor 1; Fanconi anemia complementation group D1; Breast-ovarian cancer, familial, susceptibility to, 2; Glioma susceptibility 3; Pancreatic cancer, susceptibility to, 2. Last evaluated: 2022-05-31. Review status: criteria provided, single submitter. Criteria: ACMG Guidelines, 2015. Collection method: clinical testing. Allele origin: unknown. Not counted in ClinVar's aggregate classification.

Women's Health and Genetics/Laboratory Corporation of America, LabCorp
Classification: Likely benign. Last evaluated: 2021-01-09. Review status: criteria provided, single submitter. Criteria: LabCorp Variant Classification Summary - May 2015. Collection method: clinical testing. Allele origin: germline. Not counted in ClinVar's aggregate classification.

Color Diagnostics, LLC DBA Color Health
Classification: Likely benign for Hereditary cancer-predisposing syndrome. Last evaluated: 2017-06-26. Review status: criteria provided, single submitter. Criteria: ACMG Guidelines, 2015. Collection method: clinical testing. Allele origin: germline. Not counted in ClinVar's aggregate classification.

Quest Diagnostics Nichols Institute San Juan Capistrano
Classification: Likely benign. Last evaluated: 2016-10-21. Review status: criteria provided, single submitter. Criteria: Quest Diagnostics criteria. Collection method: clinical testing. Allele origin: germline. Not counted in ClinVar's aggregate classification.

Ambry Genetics
Classification: Likely benign for Hereditary cancer-predisposing syndrome. Last evaluated: 2016-06-16. Review status: criteria provided, single submitter. Criteria: Ambry Variant Classification Scheme 2023. Collection method: clinical testing. Allele origin: germline. Not counted in ClinVar's aggregate classification.

NM_000059.4(BRCA2):c.5025T>C (p.Cys1675=)

Gene: BRCA2 (BRCA2 DNA repair associated; plus strand). Cytogenetic location: 13q13.1.
Variant type: single nucleotide variant.
Coding change: c.5025T>C on transcript NM_000059.4 (MANE Select); coding-DNA position 5025, T replaced by C.
Protein change: p.Cys1675=; no amino-acid change (cysteine 1675 retained).
Molecular consequence: synonymous variant.
Genome position (GRCh38, 1-based): chr13:32,339,380, T>C. VCF-style: chr13-32339380-T-C. GRCh37 (hg19) VCF-style: chr13-32913517-T-C.
Identifiers: ClinVar variation 186066 (VCV000186066.24), dbSNP rs370591460, ClinGen allele CA021143.